The following is an entry in ClinVar:

NM_000219.6(KCNE1):c.30G>A (p.Thr10=)

Gene: KCNE1 (potassium voltage-gated channel subfamily E regulatory subunit 1; minus strand). Cytogenetic location: 21q22.12.
Variant type: single nucleotide variant.
Coding change: c.30G>A on transcript NM_000219.6 (MANE Select); coding-DNA position 30, G replaced by A.
Protein change: p.Thr10=; no amino-acid change (threonine 10 retained).
Molecular consequence: synonymous variant.
Genome position (GRCh38, 1-based): chr21:34,449,605, C>T on the plus strand (G>A on the coding strand, the complement: KCNE1 is on the minus strand). VCF-style: chr21-34449605-C-T. GRCh37 (hg19) VCF-style: chr21-35821903-C-T.
Other names: c.30G>A (NM_001127670.3); c.30G>A, p.Thr10= (NM_001127668.4, NM_001127669.4, NM_001127670.4 and 4 more transcripts).
Identifiers: ClinVar variation 163730 (VCV000163730.49), dbSNP rs187686559, ClinGen allele CA333571.

ClinVar aggregate classification (germline): Benign/Likely benign. Review status: criteria provided, multiple submitters, no conflicts (2 of 4 stars). 12 submissions from 11 submitters: Benign (4); Likely benign (7). 1 of the submissions does not count toward it. Last evaluated 2026-09-21.

Conditions:
KCNE1-related disorder. Also called: KCNE1-related condition.
Cardiovascular phenotype. Identifiers: MedGen CN230736.
Long QT syndrome (LQTS). Identifiers: MedGen C0023976, MeSH D008133, MONDO:0002442. Disease mechanism: loss of function. Inheritance: Various modes of inheritance.
Long QT syndrome 5 (LQT5). Identifiers: Orphanet 101016, Orphanet 768, MedGen C1867904, MONDO:0013372, OMIM 613695.
Jervell and Lange-Nielsen syndrome 2 (JLNS2). Identifiers: Orphanet 768, Orphanet 90647, MedGen C2676723, MONDO:0012871, OMIM 612347.

Allele frequency attached by ClinVar (database versions not stated): gnomAD 0.00005 and 0.00010; ESP Exome Variant Server 0.00008; gnomAD exomes 0.00020 and 0.00052; ExAC 0.00038; 1000 Genomes Project 30x 0.00141; 1000 Genomes Project 0.00200.
gnomAD v4.1: 184 of 913,908 alleles (0.02%); highest among the groups gnomAD compares: East Asian, 0.24%; 3 homozygotes.

Submissions (13):

Molecular Diagnostic Laboratory for Inherited Cardiovascular Disease, Montreal Heart Institute
Classification: Likely benign. Last evaluated: 2026-09-21. Review status: criteria provided, single submitter. Criteria: ACMG Guidelines, 2015. Collection method: clinical testing. Allele origin: germline. Affected: no.
Comment: BS1;BP7

Labcorp Genetics (formerly Invitae), Labcorp
Classification: Benign for Long QT syndrome. Last evaluated: 2026-01-26. Review status: criteria provided, single submitter. Criteria: Invitae Variant Classification Sherloc (09022015). Collection method: clinical testing. Allele origin: germline.

Blueprint Genetics
Classification: Likely benign. Last evaluated: 2024-09-18. Review status: criteria provided, single submitter. Criteria: ACMG Guidelines, 2015. Collection method: clinical testing. Allele origin: germline.

ARUP Laboratories, Molecular Genetics and Genomics, ARUP Laboratories
Classification: Likely benign. Last evaluated: 2024-03-11. Review status: criteria provided, single submitter. Criteria: ARUP Molecular Germline Variant Investigation Process 2024. Collection method: clinical testing. Allele origin: germline.

Illumina Laboratory Services, Illumina
Classification: Likely benign for Long QT syndrome 5. Last evaluated: 2018-01-12. Review status: criteria provided, single submitter. Criteria: ICSL Variant Classification Criteria 13 December 2019. Collection method: clinical testing. Allele origin: germline.
Comment: This variant was observed in the ICSL laboratory as part of a predisposition screen in an ostensibly healthy population. It had not been previously curated by ICSL or reported in the Human Gene Mutation Database (HGMD: prior to June 1st, 2018), and was therefore a candidate for classification through an automated scoring system. Utilizing variant allele frequency, disease prevalence and penetrance estimates, and inheritance mode, an automated score was calculated to assess if this variant is too frequent to cause the disease. Based on the score and internal cut-off values, a variant classified as likely benign is not then subjected to further curation. The score for this variant resulted in a classification of likely benign for this disease.

Illumina Laboratory Services, Illumina
Classification: Likely benign for Jervell and Lange-Nielsen syndrome 2. Last evaluated: 2018-01-12. Review status: criteria provided, single submitter. Criteria: ICSL Variant Classification Criteria 13 December 2019. Collection method: clinical testing. Allele origin: germline.
Comment: the same text as in the submission from Illumina Laboratory Services, Illumina above.

Ambry Genetics
Classification: Likely benign for Cardiovascular phenotype. Last evaluated: 2017-04-06. Review status: criteria provided, single submitter. Criteria: Ambry Variant Classification Scheme 2023. Collection method: clinical testing. Allele origin: germline.

Laboratory for Molecular Medicine, Mass General Brigham Personalized Medicine
Classification: Benign. Last evaluated: 2016-10-06. Review status: criteria provided, single submitter. Criteria: LMM Criteria. Collection method: clinical testing. Allele origin: germline. Observed: 4 variant alleles.
Comment: p.Thr10Thr in exon 3 of KCNE1: This variant is not expected to have clinical sig nificance because it does not alter an amino acid residue, it is not located wit hin the splice consensus sequence, and it has been identified in 0.5% (39/8618) of East Asian chromosomes by the Exome Aggregation Consortium (ExAC .; dbSNP rs187686559).

GeneDx
Classification: Benign. Last evaluated: 2015-03-03. Review status: criteria provided, single submitter. Criteria: GeneDx Variant Classification Process June 2021. Collection method: clinical testing. Allele origin: germline. Affected: yes.

Eurofins Ntd Llc (ga)
Classification: Benign. Last evaluated: 2015-02-02. Review status: criteria provided, single submitter. Criteria: EGL Classification Definitions 2015. Collection method: clinical testing. Allele origin: germline. Observed: 1 variant allele, 1 heterozygote.

Breakthrough Genomics
Classification: Likely benign. Review status: criteria provided, single submitter. Criteria: ACMG Guidelines, 2015. Collection method: not provided. Allele origin: germline. Inheritance: Autosomal recessive inheritance. Affected: yes.

PreventionGenetics, part of Exact Sciences
Classification: Likely benign for KCNE1-related condition. Last evaluated: 2020-12-15. Review status: no assertion criteria provided. Collection method: clinical testing. Allele origin: germline. Not counted in ClinVar's aggregate classification.
Comment: This variant is classified as likely benign based on ACMG/AMP sequence variant interpretation guidelines (Richards et al. 2015 PMID: 25741868, with internal and published modifications).

Roden Lab, Vanderbilt University Medical Center
No classification provided (evidence only). Condition: Long QT syndrome 5. Review status: no classification provided. Collection method: in vitro. Allele origin: not applicable. Functional consequence: Effect on ion channel function. Not counted in ClinVar's aggregate classification.
ClinVar note: "not provided" was previously submitted as the classification for the variant. However, the classification appeared to be based only on an observation of functional data so it was converted to no classification on 2025-07-30.

Literature cited by the submitters: PubMed 16487223 (cited by Laboratory for Molecular Medicine, Mass General Brigham Personalized Medicine).